The following is an entry in ClinVar:

ClinVar aggregate classification (germline): Pathogenic/Likely pathogenic. Review status: criteria provided, multiple submitters, no conflicts (2 of 4 stars). 4 submissions from 4 submitters: Pathogenic (2); Likely pathogenic (2). Last evaluated 2025-10-24.

Conditions:
Deficiency of steroid 17-alpha-monooxygenase. Also called: 17-ALPHA-HYDROXYLASE DEFICIENCY; ADRENAL HYPERPLASIA V; Congenital adrenal hyperplasia due to 17-alpha-hydroxylase deficiency; Congenital adrenal hyperplasia type 5; 17-alpha-hydroxylase/17,20-lyase deficiency. Identifiers: Orphanet 90793, MedGen C0268285, MONDO:0008730, OMIM 202110.
Congenital adrenal hyperplasia. Identifiers: Orphanet 418, MedGen C0001627, MONDO:0018479, HP:0008258.

gnomAD v4.1: 2 of 1,610,612 alleles (0.00012%); highest among the groups gnomAD compares: Admixed American, 0.0017%; no homozygotes.

Submissions (4):

Natera, Inc.
Classification: Likely pathogenic for Deficiency of steroid 17-alpha-monooxygenase. Last evaluated: 2025-10-24. Review status: criteria provided, single submitter. Criteria: Natera Variant Classification Schema (03/2026). Collection method: clinical testing. Allele origin: germline.
Comment: The c.1117C>T variant in CYP17A1 is a missense variant predicted to cause substitution of histidine to tyrosine at amino acid 373. This variant is rare in the general population with a frequency below the threshold expected for the associated phenotype(s). This variant has been observed in one or more individuals affected with the associated recessive disease, as either homozygous or compound heterozygous with a second variant (PMID: 29278670). Functional studies show that this variant may disrupt protein function (PMID: 29278670). A different variant at the same position has been determined to be Pathogenic or Likely Pathogenic. Computational prediction algorithms indicate this variant is likely to affect gene or protein function. Given the available evidence, this variant is classified as Likely Pathogenic.

Women's Health and Genetics/Laboratory Corporation of America, LabCorp
Classification: Pathogenic for Congenital adrenal hyperplasia. Last evaluated: 2024-06-17. Review status: criteria provided, single submitter. Criteria: LabCorp Variant Classification Summary - May 2015. Collection method: clinical testing. Allele origin: germline.
Comment: Variant summary: CYP17A1 c.1117C>T (p.His373Tyr) results in a conservative amino acid change in the encoded protein sequence. Four of five in-silico tools predict a damaging effect of the variant on protein function. The variant was absent in 251058 control chromosomes. c.1117C>T has been reported in the literature in at least one compound heterozygous individual affected with congential adrenal hyperplasia due to 17-alpha-hydroxylase/17,20-lyase deficiency (e.g., Sun_2017). A different variant affecting the same codon has been classified as pathogenic by our lab (c.1117C>A, p.His373Asn), supporting the critical relevance of codon 373 to CYP17A1 protein function. At least one publication reports experimental evidence evaluating an impact on protein function; studies of transfected HEK293 cells demonstrated that the variant completely abolished 17-hydroxylase activity of CYP17A1. The following publication has been ascertained in the context of this evaluation (PMID: 29278670). ClinVar contains an entry for this variant (Variation ID: 1065950). Based on the evidence outlined above, the variant was classified as pathogenic.

Labcorp Genetics (formerly Invitae), Labcorp
Classification: Pathogenic. Last evaluated: 2023-03-04. Review status: criteria provided, single submitter. Criteria: Invitae Variant Classification Sherloc (09022015). Collection method: clinical testing. Allele origin: germline.
Comment: This sequence change replaces histidine, which is basic and polar, with tyrosine, which is neutral and polar, at codon 373 of the CYP17A1 protein (p.His373Tyr). For these reasons, this variant has been classified as Pathogenic. This variant disrupts the p.His373 amino acid residue in CYP17A1. Other variant(s) that disrupt this residue have been determined to be pathogenic (PMID: 8245018, 10877510, 11549876, 12706306, 24140098). This suggests that this residue is clinically significant, and that variants that disrupt this residue are likely to be disease-causing. Experimental studies have shown that this missense change affects CYP17A1 function (PMID: 29278670). Advanced modeling of protein sequence and biophysical properties (such as structural, functional, and spatial information, amino acid conservation, physicochemical variation, residue mobility, and thermodynamic stability) performed at Invitae indicates that this missense variant is expected to disrupt CYP17A1 protein function. ClinVar contains an entry for this variant (Variation ID: 1065950). This missense change has been observed in individual(s) with 17alpha-hydroxylase/17,20-lyase-deficiency (PMID: 29278670). In at least one individual the data is consistent with being in trans (on the opposite chromosome) from a pathogenic variant. This variant is not present in population databases (gnomAD no frequency).

Juno Genomics, Hangzhou Juno Genomics, Inc
Classification: Likely pathogenic for Deficiency of steroid 17-alpha-monooxygenase. Review status: criteria provided, single submitter. Criteria: ACMG Guidelines, 2015. Collection method: clinical testing. Allele origin: germline. Affected: yes.
Comment: Multiple lines of computational evidence support a deleterious effect on the gene or gene product (conservation, evolutionary, splicing impact, etc).;Absent from controls (or at extremely low frequency if recessive) in Genome Aggregation Database, Exome Sequencing Project, 1000 Genomes Project, or Exome Aggregation Consortium.;For recessive disorders, detected in trans with a pathogenic variant.;Novel missense change at an amino acid residue where a different missense change determined to be pathogenic has been seen before.

Literature cited by the submitters: PubMed 29278670 (cited by 3 submitters); PubMed 8245018 (cited by Labcorp Genetics (formerly Invitae), Labcorp); PubMed 10877510 (cited by Labcorp Genetics (formerly Invitae), Labcorp); PubMed 11549876 (cited by Labcorp Genetics (formerly Invitae), Labcorp); PubMed 12706306 (cited by Labcorp Genetics (formerly Invitae), Labcorp); PubMed 24140098 (cited by Labcorp Genetics (formerly Invitae), Labcorp).

NM_000102.4(CYP17A1):c.1117C>T (p.His373Tyr)

Gene: CYP17A1 (cytochrome P450 family 17 subfamily A member 1; minus strand). Cytogenetic location: 10q24.32.
Variant type: single nucleotide variant.
Coding change: c.1117C>T on transcript NM_000102.4 (MANE Select); coding-DNA position 1117, C replaced by T.
Protein change: p.His373Tyr; replaces histidine 373 with tyrosine.
Molecular consequence: missense variant.
Genome position (GRCh38, 1-based): chr10:102,832,533, G>A on the plus strand (C>T on the coding strand, the complement: CYP17A1 is on the minus strand). VCF-style: chr10-102832533-G-A. GRCh37 (hg19) VCF-style: chr10-104592290-G-A.
Other names: c.1117C>T (NM_000102.3); short protein forms H373Y.
Identifiers: ClinVar variation 1065950 (VCV001065950.14), dbSNP rs1423560123, ClinGen allele CA377938701.
Genomic context (GRCh38, chr10:102,832,533, plus strand): 5'-CATCATGGGGCTAGATGTCACTGGGAGGGCAGGCACACCTGGAGTCAACGTTGGCCTTGT[G>A]GGGGATGAGCATAGGGGCCACGGGCCTGAGGCGAAGCACCTCTCGGATGGTGGCCTCCAG-3'
Protein context (NP_000093.1, residues 363-383): LRPVAPMLIP[His373Tyr]KANVDSSIGE